The following is an entry in ClinVar:

NM_014727.3(KMT2B):c.454C>T (p.Arg152Trp)

Gene: KMT2B (lysine methyltransferase 2B; plus strand). Cytogenetic location: 19q13.12.
Variant type: single nucleotide variant.
Coding change: c.454C>T on transcript NM_014727.3 (MANE Select); coding-DNA position 454, C replaced by T.
Protein change: p.Arg152Trp; replaces arginine 152 with tryptophan.
Molecular consequence: missense variant.
Genome position (GRCh38, 1-based): chr19:35,719,801, C>T. VCF-style: chr19-35719801-C-T. GRCh37 (hg19) VCF-style: chr19-36210703-C-T.
Other names: short protein forms R152W.
Identifiers: ClinVar variation 1226486 (VCV001226486.33), dbSNP rs200918556, ClinGen allele CA9384025.

ClinVar aggregate classification (germline): Benign/Likely benign. Review status: criteria provided, multiple submitters, no conflicts (2 of 4 stars). 3 submissions from 3 submitters: Benign (1); Likely benign (2). Last evaluated 2025-12-09.

Allele frequency attached by ClinVar (database versions not stated): gnomAD exomes 0.00006 and 0.00018; ExAC 0.00025; ESP Exome Variant Server 0.00041; gnomAD 0.00052 and 0.00058; 1000 Genomes Project 0.00060; TOPMed 0.00060; 1000 Genomes Project 30x 0.00078.
gnomAD v4.1: 169 of 1,599,866 alleles (0.011%); highest among the groups gnomAD compares: African/African-American, 0.18%; no homozygotes.

Submissions (3):

Labcorp Genetics (formerly Invitae), Labcorp
Classification: Likely benign. Last evaluated: 2025-12-09. Review status: criteria provided, single submitter. Criteria: Invitae Variant Classification Sherloc (09022015). Collection method: clinical testing. Allele origin: germline.

CeGaT Center for Human Genetics Tuebingen
Classification: Likely benign. Last evaluated: 2023-12-01. Review status: criteria provided, single submitter. Criteria: CeGaT Center For Human Genetics Tuebingen Variant Classification Criteria Version 2. Collection method: clinical testing. Allele origin: germline. Affected: yes. Observed: 1 variant allele.
Comment: KMT2B: BS2

GeneDx
Classification: Benign. Last evaluated: 2020-03-19. Review status: criteria provided, single submitter. Criteria: GeneDx Variant Classification Process June 2021. Collection method: clinical testing. Allele origin: germline. Affected: yes.
Comment: This variant is associated with the following publications: (PMID: 32634684, 30724471, 31338059)